The following is an entry in ClinVar:

NM_003392.7(WNT5A):c.77T>C (p.Phe26Ser)

Gene: WNT5A (Wnt family member 5A; minus strand). Cytogenetic location: 3p14.3.
Variant type: single nucleotide variant.
Coding change: c.77T>C on transcript NM_003392.7 (MANE Select); coding-DNA position 77, T replaced by C.
Protein change: p.Phe26Ser; replaces phenylalanine 26 with serine.
Molecular consequence: missense variant.
Genome position (GRCh38, 1-based): chr3:55,480,848, A>G on the plus strand (T>C on the coding strand, the complement: WNT5A is on the minus strand). VCF-style: chr3-55480848-A-G. GRCh37 (hg19) VCF-style: chr3-55514876-A-G.
Other names: c.32T>C, p.Phe11Ser (NM_001256105.1, NM_001377271.1, NM_001377272.1); short protein forms F11S, F26S.
Identifiers: ClinVar variation 3616691 (VCV003616691.2).

ClinVar aggregate classification (germline): Uncertain significance (1 of 4 stars; one submission).

gnomAD v4.1: 1 of 1,587,432 alleles (0.000063%); highest among the groups gnomAD compares: Non-Finnish European, 0.000086%; no homozygotes.

Submission:

Labcorp Genetics (formerly Invitae), Labcorp
Classification: Uncertain significance. Last evaluated: 2024-02-24. Review status: criteria provided, single submitter. Criteria: Invitae Variant Classification Sherloc (09022015). Collection method: clinical testing. Allele origin: germline.
Comment: This sequence change replaces phenylalanine, which is neutral and non-polar, with serine, which is neutral and polar, at codon 26 of the WNT5A protein (p.Phe26Ser). This variant is not present in population databases (gnomAD no frequency). This variant has not been reported in the literature in individuals affected with WNT5A-related conditions. Algorithms developed to predict the effect of missense changes on protein structure and function output the following: SIFT: "Not Available"; PolyPhen-2: "Benign"; Align-GVGD: "Not Available". The serine amino acid residue is found in multiple mammalian species, which suggests that this missense change does not adversely affect protein function. In summary, the available evidence is currently insufficient to determine the role of this variant in disease. Therefore, it has been classified as a Variant of Uncertain Significance.